The following is an entry in ClinVar:

ClinVar aggregate classification (germline): Conflicting classifications of pathogenicity. Review status: criteria provided, conflicting classifications (1 of 4 stars). 4 submissions from 4 submitters: Uncertain significance (3); Likely benign (1). Last evaluated 2025-07-15.

Conditions:
Cardiovascular phenotype. Identifiers: MedGen CN230736.
Dilated cardiomyopathy 1HH (CMD1HH). Identifiers: Orphanet 154, MedGen C3151293, MONDO:0013479, OMIM 613881.
Myofibrillar myopathy 6. Identifiers: Orphanet 199340, MedGen C2751831, MONDO:0013061, OMIM 612954.

Allele frequency attached by ClinVar (database versions not stated): gnomAD 0.00001; gnomAD exomes 0.00003 and 0.00008; TOPMed 0.00006; ExAC 0.00008.
gnomAD v4.1: 19 of 1,582,766 alleles (0.0012%); highest among the groups gnomAD compares: Admixed American, 0.034%; no homozygotes.

Submissions (4):

Labcorp Genetics (formerly Invitae), Labcorp
Classification: Likely benign for Dilated cardiomyopathy 1HH; Myofibrillar myopathy 6. Last evaluated: 2025-07-15. Review status: criteria provided, single submitter. Criteria: Invitae Variant Classification Sherloc (09022015). Collection method: clinical testing. Allele origin: germline.

Ambry Genetics
Classification: Uncertain significance for Cardiovascular phenotype. Last evaluated: 2024-08-28. Review status: criteria provided, single submitter. Criteria: Ambry Variant Classification Scheme 2023. Collection method: clinical testing. Allele origin: germline.
Comment: The p.T5A variant (also known as c.13A>G), located in coding exon 1 of the BAG3 gene, results from an A to G substitution at nucleotide position 13. The threonine at codon 5 is replaced by alanine, an amino acid with similar properties. This amino acid position is well conserved in available vertebrate species. In addition, this alteration is predicted to be tolerated by in silico analysis. Based on the available evidence, the clinical significance of this variant remains unclear.

New York Genome Center
Classification: Uncertain significance for Dilated cardiomyopathy 1HH. Last evaluated: 2020-07-09. Review status: criteria provided, single submitter. Criteria: NYGC Assertion Criteria 2020. Collection method: clinical testing. Allele origin: germline. Observed: 1 heterozygote. Study: CSER-NYCKidSeq.

GeneDx
Classification: Uncertain significance. Last evaluated: 2016-11-21. Review status: criteria provided, single submitter. Criteria: GeneDx Variant Classification (06012015). Collection method: clinical testing. Allele origin: germline. Affected: yes.
Comment: A variant of uncertain significance has been identified in the BAG3 gene. The T5A variant has not been published as a pathogenic variant, nor has it been reported as a benign variant to our knowledge. The T5A variant was not observed in approximately 6500 individuals of European and African American ancestry in the NHLBI Exome Sequencing Project, indicating it is not a common benign variant in these populations. Though also not observed in these aforementioned populations by the Exome Aggregation Consortium (ExAc), ExAc did observe T5A in 8/10634 (0.08%) alleles from individuals of Latino background. The T5A variant is a non-conservative amino acid substitution, which is likely to impact secondary protein structure as these residues differ in polarity, charge, size and/or other properties. This substitution occurs at a position that is conserved in mammals. In silico analysis is inconsistent in its predictions as to whether or not the variant is damaging to the protein structure/function.

NM_004281.4(BAG3):c.13A>G (p.Thr5Ala)

Gene: BAG3 (BAG cochaperone 3; plus strand). Cytogenetic location: 10q26.11.
Variant type: single nucleotide variant.
Coding change: c.13A>G on transcript NM_004281.4 (MANE Select); coding-DNA position 13, A replaced by G.
Protein change: p.Thr5Ala; replaces threonine 5 with alanine.
Molecular consequence: missense variant.
Genome position (GRCh38, 1-based): chr10:119,651,688, A>G. VCF-style: chr10-119651688-A-G. GRCh37 (hg19) VCF-style: chr10-121411200-A-G.
Other names: short protein forms T5A.
Identifiers: ClinVar variation 373252 (VCV000373252.10), dbSNP rs777752849, ClinGen allele CA5716202.